The following is an entry in ClinVar:

NM_001854.4(COL11A1):c.1245+1G>A

Gene: COL11A1 (collagen type XI alpha 1 chain; minus strand). Cytogenetic location: 1p21.1.
Variant type: single nucleotide variant.
Coding change: c.1245+1G>A on transcript NM_001854.4 (MANE Select); the canonical splice donor site of the intron after coding-DNA position 1245, G replaced by A.
Molecular consequence: splice donor variant. On other transcripts: intron variant (1).
Genome position (GRCh38, 1-based): chr1:103,022,741, C>T on the plus strand (G>A on the coding strand, the complement: COL11A1 is on the minus strand). VCF-style: chr1-103022741-C-T. GRCh37 (hg19) VCF-style: chr1-103488297-C-T.
Other names: c.1128+1G>A (NM_001190709.2); c.1281+1G>A (NM_080629.3); c.898-972G>A (NM_080630.4).
Identifiers: ClinVar variation 1324096 (VCV001324096.40), dbSNP rs766849561, ClinGen allele CA975086.
Genomic context (GRCh38, chr1:103,022,741, plus strand): 5'-TGGACATAAAAATATCCCATAAATAAGACATACAATGACACAGTGCATAGTATCAACTTA[C>T]GCTTGTTTCTGTAATATCAGTTTCTGCTGGTACACCTGGACCAAATTCTTCATTAGGGGG-3'

ClinVar aggregate classification (germline): Pathogenic/Likely pathogenic. Review status: criteria provided, multiple submitters, no conflicts (2 of 4 stars). 8 submissions from 8 submitters: Pathogenic (2); Likely pathogenic (6). Last evaluated 2026-06-18.

Conditions:
Stickler syndrome type 2 (STL2). Also called: STICKLER SYNDROME, BEADED VITREOUS TYPE; STICKLER SYNDROME, VITREOUS TYPE 2; STICKLER SYNDROME, TYPE II; COL11A1-Related Stickler Syndrome. Identifiers: Orphanet 828, Orphanet 90654, MedGen C1858084, MONDO:0011493, OMIM 604841.
COL11A1-related disorder. Also called: COL11A1-related condition; COL11A1-related disorders.
Fibrochondrogenesis 1 (FBCG1). Identifiers: Orphanet 2021, MedGen C3278138, MONDO:0009226, OMIM 228520.
Hearing loss, autosomal dominant 37. Also called: DEAFNESS, AUTOSOMAL DOMINANT 37. Identifiers: MedGen C4760307, MONDO:0032802, OMIM 618533.
Marshall syndrome (MRSHS). Identifiers: Orphanet 560, MedGen C0265235, MONDO:0007949, OMIM 154780.
Intervertebral disc disorder (IDD). Also called: INTERVERTEBRAL DISC DISEASE; Lumbar disk degenerative disorder. Identifiers: MedGen C0158252, MONDO:0044339, OMIM 603932.

Allele frequency attached by ClinVar (database versions not stated): TOPMed 0.00003; gnomAD 0.00005.
gnomAD v4.1: 61 of 1,613,376 alleles (0.0038%); highest among the groups gnomAD compares: East Asian, 0.013%; no homozygotes.

Submissions (8):

GeneDx
Classification: Likely pathogenic. Last evaluated: 2026-06-18. Review status: criteria provided, single submitter. Criteria: GeneDx Variant Classification Process June 2021. Collection method: clinical testing. Allele origin: germline.
Comment: Reported in one patient from a cohort of patients with short stature and x-ray abnormalities (PMID: 26377240); Identified in an individual with early-onset high myopia, however, further clinical details were not provided (PMID: 37191617); Canonical splice site variant predicted to result in an in-frame loss of the adjacent exon in a gene for which loss of function is a known mechanism of disease; Not observed at significant frequency in large population cohorts (gnomAD); Other splice variants in this gene have been reported in HGMD in association with COL11A1-related disorders (HGMD); This variant is associated with the following publications: (PMID: 32427345, 32756486, 26377240, 32381727, 37191617)

Labcorp Genetics (formerly Invitae), Labcorp
Classification: Likely pathogenic. Last evaluated: 2026-01-24. Review status: criteria provided, single submitter. Criteria: Invitae Variant Classification Sherloc (09022015). Collection method: clinical testing. Allele origin: germline.
Comment: This sequence change affects a donor splice site in intron 8 of the COL11A1 gene. RNA analysis indicates that disruption of this splice site induces altered splicing and likely results in a shortened protein product. This variant is present in population databases (rs766849561, gnomAD 0.02%). Disruption of this splice site has been observed in individuals with clinical features of autosomal dominant Stickler syndrome (PMID: 26377240, 32381727, 32578940; internal data). ClinVar contains an entry for this variant (Variation ID: 1324096). Studies have shown that disruption of this splice site results in skipping of exon 8 (also known as exon 9), but is expected to preserve the integrity of the reading-frame (PMID: 32578940). This variant disrupts a region of the COL11A1 protein in which other variant(s) (p.Phe401Leu) have been observed in individuals with COL11A1-related conditions (PMID: 32756486). This suggests that this is a clinically significant region of the protein, and that variants that disrupt it are likely to be disease-causing. In summary, the currently available evidence indicates that the variant is pathogenic, but additional data are needed to prove that conclusively. Therefore, this variant has been classified as Likely Pathogenic.

Revvity Omics, Revvity
Classification: Likely pathogenic. Last evaluated: 2025-08-07. Review status: criteria provided, single submitter. Criteria: ACMG Guidelines, 2015. Collection method: clinical testing. Allele origin: germline.

Department of Paediatrics at Addenbrookes, Cambridge University Hospitals NHS Foundation Trust (UK)
Classification: Likely pathogenic for Stickler syndrome type 2. Last evaluated: 2025-05-27. Review status: criteria provided, single submitter. Criteria: Durkie Uk Practice Guidelines For Variant Classification V12 2024 (1). Collection method: clinical testing. Allele origin: unknown.
Comment: PVS1_Strong; PS4_Supporting; PP3_Supporting

PreventionGenetics, part of Exact Sciences
Classification: Pathogenic for COL11A1-related condition. Last evaluated: 2024-10-30. Review status: criteria provided, single submitter. Criteria: ACMG Guidelines, 2015. Collection method: clinical testing. Allele origin: germline.
Comment: The COL11A1 c.1245+1G>A variant is predicted to disrupt the GT donor site and interfere with normal splicing. This variant has been reported in a patient with Stickler syndrome that inherited the variant from their mother (Zhang et al. 2015. PubMed ID: 26377240), in a patient with early onset high myopia (Yang et al. 2023. PubMed ID: 37191617), and in a patient with early-onset scoliosis (Table S5, Zhao et al. 2020. PubMed ID: 32381727). This variant is reported in 0.016% of alleles in individuals of East Asian descent in gnomAD. Variants that disrupt the consensus splice donor site in COL11A1 are expected to be pathogenic. This variant is interpreted as pathogenic.

Blueprint Genetics
Classification: Likely pathogenic for COL11A1-related disorders. Last evaluated: 2024-06-25. Review status: criteria provided, single submitter. Criteria: ACMG Guidelines, 2015. Collection method: clinical testing. Allele origin: germline. Affected: yes. Observed: 5 variant alleles.

CeGaT Center for Human Genetics Tuebingen
Classification: Pathogenic. Last evaluated: 2023-08-01. Review status: criteria provided, single submitter. Criteria: CeGaT Center For Human Genetics Tuebingen Variant Classification Criteria Version 2. Collection method: clinical testing. Allele origin: germline. Affected: yes. Observed: 1 variant allele.
Comment: COL11A1: PVS1:Strong, PM2, PP4:Moderate, PS4:Moderate

Fulgent Genetics
Classification: Likely pathogenic for Marshall syndrome; Fibrochondrogenesis 1; Intervertebral disc disorder; Stickler syndrome type 2; Hearing loss, autosomal dominant 37. Last evaluated: 2021-07-13. Review status: criteria provided, single submitter. Criteria: ACMG Guidelines, 2015. Collection method: clinical testing. Allele origin: unknown.

Literature cited by the submitters: PubMed 26377240 (cited by Labcorp Genetics (formerly Invitae), Labcorp); PubMed 32381727 (cited by Labcorp Genetics (formerly Invitae), Labcorp); PubMed 32578940 (cited by Labcorp Genetics (formerly Invitae), Labcorp); PubMed 32756486 (cited by Labcorp Genetics (formerly Invitae), Labcorp).